The following is an entry in ClinVar:

ClinVar aggregate classification (germline): Uncertain significance. Review status: criteria provided, multiple submitters, no conflicts (2 of 4 stars). 2 submissions from 2 submitters: Uncertain significance (2). Last evaluated 2025-09-09.

Allele frequency attached by ClinVar (database versions not stated): gnomAD 0.00001; TOPMed 0.00001; gnomAD exomes 0.00003; ExAC 0.00001.
gnomAD v4.1: 39 of 1,571,576 alleles (0.0025%); highest among the groups gnomAD compares: Middle Eastern, 0.017%; no homozygotes.

Submissions (2):

Ambry Genetics
Classification: Uncertain significance. Last evaluated: 2025-09-09. Review status: criteria provided, single submitter. Criteria: Ambry Variant Classification Scheme 2023. Collection method: clinical testing. Allele origin: germline.

Labcorp Genetics (formerly Invitae), Labcorp
Classification: Uncertain significance. Last evaluated: 2025-06-23. Review status: criteria provided, single submitter. Criteria: Invitae Variant Classification Sherloc (09022015). Collection method: clinical testing. Allele origin: germline.
Comment: This sequence change replaces glutamic acid, which is acidic and polar, with lysine, which is basic and polar, at codon 4197 of the FAT2 protein (p.Glu4197Lys). This variant is present in population databases (rs765277888, gnomAD 0.004%). This variant has not been reported in the literature in individuals affected with FAT2-related conditions. ClinVar contains an entry for this variant (Variation ID: 3003386). An algorithm developed to predict the effect of missense changes on protein structure and function (PolyPhen-2) suggests that this variant is likely to be tolerated. In summary, the available evidence is currently insufficient to determine the role of this variant in disease. Therefore, it has been classified as a Variant of Uncertain Significance.

NM_001447.3(FAT2):c.12589G>A (p.Glu4197Lys)

Genes: FAT2 (FAT atypical cadherin 2; minus strand), SLC36A1 (solute carrier family 36 member 1; plus strand). Cytogenetic location: 5q33.1.
Variant type: single nucleotide variant.
Coding change: c.12589G>A on transcript NM_001447.3 (MANE Select); coding-DNA position 12589, G replaced by A.
Protein change: p.Glu4197Lys; replaces glutamic acid 4197 with lysine.
Molecular consequence: missense variant.
Genome position (GRCh38, 1-based): chr5:151,506,026, C>T on the plus strand (G>A on the coding strand, the complement: FAT2 is on the minus strand). VCF-style: chr5-151506026-C-T. GRCh37 (hg19) VCF-style: chr5-150885587-C-T.
Other names: c.12589G>A (NM_001447.2); short protein forms E4197K.
Identifiers: ClinVar variation 3003386 (VCV003003386.4), dbSNP rs765277888, ClinGen allele CA3519725.